The following is an entry in ClinVar:

ClinVar aggregate classification (germline): Likely benign. Review status: criteria provided, multiple submitters, no conflicts (2 of 4 stars). 4 submissions from 4 submitters: Likely benign (4). Last evaluated 2026-01-12.

Conditions:
Cardiovascular phenotype. Identifiers: MedGen CN230736.

Allele frequency attached by ClinVar (database versions not stated): TOPMed 0.00003; gnomAD 0.00005.
gnomAD v4.1: 20 of 1,546,968 alleles (0.0013%); highest among the groups gnomAD compares: African/African-American, 0.0096%; no homozygotes.

Submissions (4):

Labcorp Genetics (formerly Invitae), Labcorp
Classification: Likely benign. Last evaluated: 2026-01-12. Review status: criteria provided, single submitter. Criteria: Invitae Variant Classification Sherloc (09022015). Collection method: clinical testing. Allele origin: germline.

Women's Health and Genetics/Laboratory Corporation of America, LabCorp
Classification: Likely benign. Last evaluated: 2025-06-04. Review status: criteria provided, single submitter. Criteria: LabCorp Variant Classification Summary - May 2015. Collection method: clinical testing. Allele origin: germline.

Mayo Clinic Laboratories, Mayo Clinic
Classification: Likely benign. Last evaluated: 2025-03-10. Review status: criteria provided, single submitter. Criteria: ACMG Guidelines, 2015. Collection method: clinical testing. Allele origin: germline. Observed: 1 variant allele.
Comment: BP4, BP7

Ambry Genetics
Classification: Likely benign for Cardiovascular phenotype. Last evaluated: 2020-03-13. Review status: criteria provided, single submitter. Criteria: Ambry Variant Classification Scheme 2023. Collection method: clinical testing. Allele origin: germline.

NM_001367624.2(ZNF469):c.1269G>A (p.Pro423=)

Gene: ZNF469 (zinc finger protein 469; plus strand). Cytogenetic location: 16q24.2.
Variant type: single nucleotide variant.
Coding change: c.1269G>A on transcript NM_001367624.2 (MANE Select); coding-DNA position 1269, G replaced by A.
Protein change: p.Pro423=; no amino-acid change (proline 423 retained).
Molecular consequence: synonymous variant.
Genome position (GRCh38, 1-based): chr16:88,428,739, G>A. VCF-style: chr16-88428739-G-A. GRCh37 (hg19) VCF-style: chr16-88495147-G-A.
Other names: NM_001127464.1:c.1269G>A; p.Pro423=.
Identifiers: ClinVar variation 1764859 (VCV001764859.9), dbSNP rs1414954123, ClinGen allele CA497353252.
Genomic context (GRCh38, chr16:88,428,739, plus strand): 5'-GAGGCACTTTCCAGGGCAGGCGTACAGAGCCAGTGGGGTGGACACCAGCCCGGGGCCTCC[G>A]GACACCGAGCTGGCCGCCCCAGGGCCCCCACCCGCCAGGCTGCCCCAGCTGTGGGACCCC-3'
Protein context (NP_001354553.1, residues 413-433): ASGVDTSPGP[Pro423=]DTELAAPGPP